The following is an entry in ClinVar:

GRCh37/hg19 5q34(chr5:161564480-161605890)x1

Gene: GABRG2 (gamma-aminobutyric acid type A receptor subunit gamma2; plus strand). Cytogenetic location: 5q34.
Variant type: copy number loss.
Change: copy number 1 (one copy instead of two) of chr5:161,564,480-161,605,890 (41.4 kb, GRCh37 coordinates, 1-based), cytogenetic band 5q34.
Identifiers: ClinVar variation 4879181 (VCV004879181.1).

ClinVar aggregate classification (germline): Likely pathogenic (1 of 4 stars; one submission).

Conditions:
Febrile seizures, familial, 8 (FEB8). Also called: CONVULSIONS, FAMILIAL FEBRILE, 8. Identifiers: Orphanet 36387, MedGen C1969810, MONDO:0011891, OMIM 607681.

Submission:

Keimyung University Dongsan Hospital, Keimyung University School of Medicine
Classification: Likely pathogenic for Febrile seizures, familial, 8. Review status: criteria provided, single submitter. Criteria: ACMG/ClinGen CNV Guidelines, 2019. Collection method: clinical testing. Allele origin: paternal, germline. Inheritance: Autosomal dominant inheritance. Affected: yes. Observed: 2 variant alleles, 2 heterozygotes.
Comment: This heterozygous 42-kb copy-number loss at 5q34 encompasses GABRG2 exons 7–10, the 3′ untranslated region, and downstream structural DNA without involving adjacent genes. Deletion of the terminal coding exons is predicted to disrupt normal GABRG2 function. The phenotype is concordant with the GABRG2-related familial febrile seizure/GEFS+ spectrum. Exact molecular breakpoints and transcript consequences were not defined. The variant was classified as likely pathogenic according to ACMG/ClinGen technical standards for constitutional copy-number variant interpretation.

Literature cited by the submitters: DOI 10.1002/epd2.70348.